The following is an entry in ClinVar:

NM_000219.6(KCNE1):c.102C>G (p.Ser34=)

Gene: KCNE1 (potassium voltage-gated channel subfamily E regulatory subunit 1; minus strand). Cytogenetic location: 21q22.12.
Variant type: single nucleotide variant.
Coding change: c.102C>G on transcript NM_000219.6 (MANE Select); coding-DNA position 102, C replaced by G.
Protein change: p.Ser34=; no amino-acid change (serine 34 retained).
Molecular consequence: synonymous variant.
Genome position (GRCh38, 1-based): chr21:34,449,533, G>C on the plus strand (C>G on the coding strand, the complement: KCNE1 is on the minus strand). VCF-style: chr21-34449533-G-C. GRCh37 (hg19) VCF-style: chr21-35821831-G-C.
Other names: c.102C>G, p.Ser34= (NM_001127668.4, NM_001127669.4, NM_001127670.4 and 4 more transcripts).
Identifiers: ClinVar variation 3374054 (VCV003374054.2).

Conditions:
Long QT syndrome 5 (LQT5). Identifiers: Orphanet 101016, Orphanet 768, MedGen C1867904, MONDO:0013372, OMIM 613695.

Submission:

Roden Lab, Vanderbilt University Medical Center
No classification provided (evidence only). Condition: Long QT syndrome 5. Review status: no classification provided. Collection method: in vitro. Allele origin: not applicable. Functional consequence: Effect on ion channel function.
ClinVar note: "not provided" was previously submitted as the classification for the variant. However, the classification appeared to be based only on an observation of functional data so it was converted to no classification on 2025-07-30.